The following is an entry in ClinVar:

NM_001385641.1(SAMD11):c.2085G>A (p.Glu695=)

Genes: SAMD11 (sterile alpha motif domain containing 11; plus strand), LOC129929063 (ATAC-STARR-seq lymphoblastoid active region 4; plus strand). Cytogenetic location: 1p36.33.
Variant type: single nucleotide variant.
Coding change: c.2085G>A on transcript NM_001385641.1 (MANE Select); coding-DNA position 2085, G replaced by A.
Protein change: p.Glu695=; no amino-acid change (glutamic acid 695 retained).
Molecular consequence: synonymous variant.
Genome position (GRCh38, 1-based): chr1:943,284, G>A. VCF-style: chr1-943284-G-A. GRCh37 (hg19) VCF-style: chr1-878664-G-A.
Other names: c.2088G>A, p.Glu696= (NM_001385640.1); c.1596G>A, p.Glu532= (NM_152486.4); c.1596G>A (NM_152486.2).
Identifiers: ClinVar variation 1089742 (VCV001089742.12), dbSNP rs370104927, ClinGen allele CA503137.

ClinVar aggregate classification (germline): Likely benign. Review status: criteria provided, multiple submitters, no conflicts (2 of 4 stars). 3 submissions from 3 submitters: Likely benign (2). 1 of the submissions does not count toward it. Last evaluated 2026-01-21.

Conditions:
SAMD11-related disorder. Also called: SAMD11-related condition.

Allele frequency attached by ClinVar (database versions not stated): ESP Exome Variant Server 0.00008; gnomAD exomes 0.00029 and 0.00046; 1000 Genomes Project 30x 0.00031; gnomAD 0.00031 and 0.00036; TOPMed 0.00036; 1000 Genomes Project 0.00040; ExAC 0.00054.
gnomAD v4.1: 499 of 1,612,696 alleles (0.031%); highest among the groups gnomAD compares: Middle Eastern, 0.46%; 1 homozygote.

Submissions (3):

Labcorp Genetics (formerly Invitae), Labcorp
Classification: Likely benign. Last evaluated: 2026-01-21. Review status: criteria provided, single submitter. Criteria: Invitae Variant Classification Sherloc (09022015). Collection method: clinical testing. Allele origin: germline.

Blueprint Genetics
Classification: Likely benign. Last evaluated: 2024-11-18. Review status: criteria provided, single submitter. Criteria: ACMG Guidelines, 2015. Collection method: clinical testing. Allele origin: germline.

PreventionGenetics, part of Exact Sciences
Classification: Likely benign for SAMD11-related condition. Last evaluated: 2019-05-23. Review status: no assertion criteria provided. Collection method: clinical testing. Allele origin: germline. Not counted in ClinVar's aggregate classification.
Comment: This variant is classified as likely benign based on ACMG/AMP sequence variant interpretation guidelines (Richards et al. 2015 PMID: 25741868, with internal and published modifications).